The following is an entry in ClinVar:

ClinVar aggregate classification (germline): Uncertain significance (1 of 4 stars; one submission).

Allele frequency attached by ClinVar (database versions not stated): gnomAD exomes 0.00001; TOPMed 0.00001.

Submission:

Labcorp Genetics (formerly Invitae), Labcorp
Classification: Uncertain significance. Last evaluated: 2021-01-30. Review status: criteria provided, single submitter. Criteria: Invitae Variant Classification Sherloc (09022015). Collection method: clinical testing. Allele origin: germline.
Comment: Advanced modeling of protein sequence and biophysical properties (such as structural, functional, and spatial information, amino acid conservation, physicochemical variation, residue mobility, and thermodynamic stability) performed at Invitae indicates that this missense variant is expected to disrupt CABP4 protein function. This variant has not been reported in the literature in individuals with CABP4-related conditions. This variant is not present in population databases (ExAC no frequency). This sequence change replaces arginine with glutamine at codon 232 of the CABP4 protein (p.Arg232Gln). The arginine residue is moderately conserved and there is a small physicochemical difference between arginine and glutamine. In summary, the available evidence is currently insufficient to determine the role of this variant in disease. Therefore, it has been classified as a Variant of Uncertain Significance.

NM_145200.5(CABP4):c.695G>A (p.Arg232Gln)

Gene: CABP4 (calcium binding protein 4; plus strand). Cytogenetic location: 11q13.2.
Variant type: single nucleotide variant.
Coding change: c.695G>A on transcript NM_145200.5 (MANE Select); coding-DNA position 695, G replaced by A.
Protein change: p.Arg232Gln; replaces arginine 232 with glutamine.
Molecular consequence: missense variant. On other transcripts: non-coding transcript variant (1).
Genome position (GRCh38, 1-based): chr11:67,458,414, G>A. VCF-style: chr11-67458414-G-A. GRCh37 (hg19) VCF-style: chr11-67225885-G-A.
Other names: c.380G>A, p.Arg127Gln (NM_001300895.3, NM_001300896.3, NM_001379183.1); short protein forms R127Q, R232Q.
Identifiers: ClinVar variation 1473112 (VCV001473112.8), dbSNP rs896656946, ClinGen allele CA224144448.
Genomic context (GRCh38, chr11:67,458,414, plus strand): 5'-CTTTGCGGGGACCTTAGTTTGACAGGGACAGGGATGGACGAATTACGGTGGCGGAGCTGC[G>A]GGAGGCGGTACCGGCTCTGCTCGGGGAGCCGCTGGCGGGTCCTGAGCTGGACGAGATGCT-3'
Protein context (NP_660201.1, residues 222-242): RDGRITVAEL[Arg232Gln]EAVPALLGEP